The following is an entry in ClinVar:

ClinVar aggregate classification (germline): Pathogenic (1 of 4 stars; one submission).

gnomAD v4.1: 1 of 1,614,084 alleles (0.000062%); highest among the groups gnomAD compares: Admixed American, 0.0017%; no homozygotes.

Submission:

Labcorp Genetics (formerly Invitae), Labcorp
Classification: Pathogenic. Last evaluated: 2024-04-10. Review status: criteria provided, single submitter. Criteria: Invitae Variant Classification Sherloc (09022015). Collection method: clinical testing. Allele origin: germline.
Comment: This sequence change creates a premature translational stop signal (p.Tyr401*) in the LRP5 gene. It is expected to result in an absent or disrupted protein product. Loss-of-function variants in LRP5 are known to be pathogenic (PMID: 11719191, 16252235, 25711638). This variant is not present in population databases (gnomAD no frequency). This variant has not been reported in the literature in individuals affected with LRP5-related conditions. ClinVar contains an entry for this variant (Variation ID: 2109115). For these reasons, this variant has been classified as Pathogenic.

Literature cited by the submitters: PubMed 11719191; PubMed 16252235; PubMed 25711638.

NM_002335.4(LRP5):c.1203C>A (p.Tyr401Ter)

Gene: LRP5 (LDL receptor related protein 5; plus strand). Cytogenetic location: 11q13.2.
Variant type: single nucleotide variant.
Coding change: c.1203C>A on transcript NM_002335.4 (MANE Select); coding-DNA position 1203, C replaced by A.
Protein change: p.Tyr401Ter; replaces tyrosine 401 with a stop codon.
Molecular consequence: nonsense. On other transcripts: 5 prime UTR variant (1).
Genome position (GRCh38, 1-based): chr11:68,386,503, C>A. VCF-style: chr11-68386503-C-A. GRCh37 (hg19) VCF-style: chr11-68153971-C-A.
Other names: c.-563C>A (NM_001291902.2); short protein forms Y401*.
Identifiers: ClinVar variation 2109115 (VCV002109115.4), dbSNP rs2496598847, ClinGen allele CA381612453.